The following is an entry in ClinVar:

NM_174936.4(PCSK9):c.1695C>G (p.His565Gln)

Gene: PCSK9 (proprotein convertase subtilisin/kexin type 9; plus strand). Cytogenetic location: 1p32.3.
Variant type: single nucleotide variant.
Coding change: c.1695C>G on transcript NM_174936.4 (MANE Select); coding-DNA position 1695, C replaced by G.
Protein change: p.His565Gln; replaces histidine 565 with glutamine.
Molecular consequence: missense variant. On other transcripts: non-coding transcript variant (8).
Genome position (GRCh38, 1-based): chr1:55,061,388, C>G. VCF-style: chr1-55061388-C-G. GRCh37 (hg19) VCF-style: chr1-55527061-C-G.
Other names: c.1818C>G, p.His606Gln (NM_001407240.1); c.1737C>G, p.His579Gln (NM_001407241.1); c.1698C>G, p.His566Gln (NM_001407242.1); c.1638C>G, p.His546Gln (NM_001407243.1); c.1521C>G, p.His507Gln (NM_001407244.1); c.1503C>G, p.His501Gln (NM_001407245.1); c.1320C>G, p.His440Gln (NM_001407246.1); c.1194C>G, p.His398Gln (NM_001407247.1); short protein forms H546Q, H565Q, H440Q, H501Q, H606Q, H398Q, H507Q, H566Q.
Identifiers: ClinVar variation 2625020 (VCV002625020.8), dbSNP rs1363218878, ClinGen allele CA340480171.
Genomic context (GRCh38, chr1:55,061,388, plus strand): 5'-GGAGCATCCCAGCATTTCACATCTGAGCTGGCTTTCCTCTGCCCCAGGCTGCAGCTCCCA[C>G]TGGGAGGTGGAGGACCTTGGCACCCACAAGCCGCCTGTGCTGAGGCCACGAGGTCAGCCC-3'
Protein context (NP_777596.2, residues 555-575): QGHVLTGCSS[His565Gln]WEVEDLGTHK

ClinVar aggregate classification (germline): Uncertain significance. Review status: criteria provided, multiple submitters, no conflicts (2 of 4 stars). 5 submissions from 5 submitters: Uncertain significance (5). Last evaluated 2024-03-06.

Conditions:
Cardiovascular phenotype. Identifiers: MedGen CN230736.
Familial hypercholesterolemia. Also called: Familial hypercholesterolemias; Familial hypercholesterolaemia. Identifiers: MedGen C0020445, MONDO:0005439.
Hypercholesterolemia, autosomal dominant, 3 (FHCL3). Also called: Familial hypercholesterolemia 3; Familial Hypercholesterolemia, Autosomal Dominant, 3; PCSK9-Related Familial Hypercholesterolemia, Autosomal Dominant. Identifiers: MedGen C1863551, MONDO:0011369, OMIM 603776.

Allele frequency attached by ClinVar (database versions not stated): TOPMed 0.00001.
gnomAD v4.1: 4 of 1,608,714 alleles (0.00025%); highest among the groups gnomAD compares: Non-Finnish European, 0.00034%; no homozygotes.

Submissions (5):

Color Diagnostics, LLC DBA Color Health
Classification: Uncertain significance for Familial hypercholesterolemia. Last evaluated: 2024-03-06. Review status: criteria provided, single submitter. Criteria: ACMG Guidelines, 2015. Collection method: clinical testing. Allele origin: germline.
Comment: This missense variant replaces histidine with glutamine at codon 565 of the PCSK9 protein. Computational prediction suggests that this variant may not impact protein structure and function. To our knowledge, functional studies have not been reported for this variant. This variant has not been reported in individuals affected with familial hypercholesterolemia in the literature. This variant has not been identified in the general population by the Genome Aggregation Database (gnomAD). The available evidence is insufficient to determine the role of this variant in disease conclusively. Therefore, this variant is classified as a Variant of Uncertain Significance.

Labcorp Genetics (formerly Invitae), Labcorp
Classification: Uncertain significance for Hypercholesterolemia, autosomal dominant, 3. Last evaluated: 2024-01-02. Review status: criteria provided, single submitter. Criteria: Invitae Variant Classification Sherloc (09022015). Collection method: clinical testing. Allele origin: germline.
Comment: This sequence change replaces histidine, which is basic and polar, with glutamine, which is neutral and polar, at codon 565 of the PCSK9 protein (p.His565Gln). The frequency data for this variant in the population databases is considered unreliable, as metrics indicate poor data quality at this position in the gnomAD database. This variant has not been reported in the literature in individuals affected with PCSK9-related conditions. ClinVar contains an entry for this variant (Variation ID: 2625020). Algorithms developed to predict the effect of missense changes on protein structure and function output the following: SIFT: "Not Available"; PolyPhen-2: "Possibly Damaging"; Align-GVGD: "Not Available". The glutamine amino acid residue is found in multiple mammalian species, which suggests that this missense change does not adversely affect protein function. In summary, the available evidence is currently insufficient to determine the role of this variant in disease. Therefore, it has been classified as a Variant of Uncertain Significance.

All of Us Research Program, National Institutes of Health
Classification: Uncertain significance for Hypercholesterolemia, autosomal dominant, 3. Last evaluated: 2023-08-23. Review status: criteria provided, single submitter. Criteria: ACMG Guidelines, 2015. Collection method: clinical testing. Allele origin: germline. Inheritance: Autosomal dominant inheritance. Observed: 1 variant allele, 1 heterozygote.
Comment: This missense variant replaces histidine with glutamine at codon 565 of the PCSK9 protein. Computational prediction suggests that this variant may not impact protein structure and function (internally defined REVEL score threshold <= 0.5, PMID: 27666373). To our knowledge, functional studies have not been reported for this variant. This variant has not been reported in individuals affected with familial hypercholesterolemia in the literature. This variant has not been identified in the general population by the Genome Aggregation Database (gnomAD). The available evidence is insufficient to determine the role of this variant in disease conclusively. Therefore, this variant is classified as a Variant of Uncertain Significance.

This study involves interpretation of variants in research participants for the purpose of population health screening. Participant phenotype was not available at the time of variant classification. Additional details can be found in publication PMID: 35346344, PMCID: PMC8962531

Ambry Genetics
Classification: Uncertain significance for Cardiovascular phenotype. Last evaluated: 2023-06-18. Review status: criteria provided, single submitter. Criteria: Ambry Variant Classification Scheme 2023. Collection method: clinical testing. Allele origin: germline.
Comment: The p.H565Q variant (also known as c.1695C>G), located in coding exon 11 of the PCSK9 gene, results from a C to G substitution at nucleotide position 1695. The histidine at codon 565 is replaced by glutamine, an amino acid with highly similar properties. This amino acid position is conserved. In addition, this alteration is predicted to be tolerated by in silico analysis. Since supporting evidence is limited at this time, the clinical significance of this alteration remains unclear.

Blueprint Genetics
Classification: Uncertain significance. Last evaluated: 2018-12-29. Review status: criteria provided, single submitter. Criteria: ACMG Guidelines, 2015. Collection method: clinical testing. Allele origin: germline.